The following is an entry in ClinVar:

ClinVar aggregate classification (germline): Likely benign. Review status: criteria provided, multiple submitters, no conflicts (2 of 4 stars). 4 submissions from 4 submitters: Likely benign (3). 1 of the submissions does not count toward it. Last evaluated 2026-01-20.

Conditions:
Fetal akinesia deformation sequence 1 (FADS1). Also called: Pena-Shokeir syndrome type I; Fetal akinesia sequence. Identifiers: Orphanet 994, MedGen C1276035, MONDO:0100101, OMIM 208150, HP:0001989.
Congenital myasthenic syndrome 10. Also called: Myasthenia, limb-girdle, familial. Identifiers: Orphanet 590, MedGen C1850792, MONDO:0009690, OMIM 254300.
DOK7-related disorder. Also called: DOK7-related condition.

Allele frequency attached by ClinVar (database versions not stated): ExAC 0.00051; ESP Exome Variant Server 0.00088; gnomAD 0.00131; 1000 Genomes Project 0.00140; 1000 Genomes Project 30x 0.00156; TOPMed 0.00158.
gnomAD v4.1: 594 of 1,559,344 alleles (0.038%); highest among the groups gnomAD compares: African/African-American, 0.54%; 2 homozygotes.

Submissions (4):

Labcorp Genetics (formerly Invitae), Labcorp
Classification: Likely benign for Congenital myasthenic syndrome 10; Fetal akinesia deformation sequence 1. Last evaluated: 2026-01-20. Review status: criteria provided, single submitter. Criteria: Invitae Variant Classification Sherloc (09022015). Collection method: clinical testing. Allele origin: germline.

GeneDx
Classification: Likely benign. Last evaluated: 2020-02-24. Review status: criteria provided, single submitter. Criteria: GeneDx Variant Classification Process June 2021. Collection method: clinical testing. Allele origin: germline. Affected: yes.

Athena Diagnostics
Classification: Likely benign. Last evaluated: 2017-07-25. Review status: criteria provided, single submitter. Criteria: Athena Diagnostics Criteria. Collection method: clinical testing. Allele origin: germline.

PreventionGenetics, part of Exact Sciences
Classification: Likely benign for DOK7-related condition. Last evaluated: 2023-05-22. Review status: no assertion criteria provided. Collection method: clinical testing. Allele origin: germline. Not counted in ClinVar's aggregate classification.
Comment: This variant is classified as likely benign based on ACMG/AMP sequence variant interpretation guidelines (Richards et al. 2015 PMID: 25741868, with internal and published modifications).

NM_173660.5(DOK7):c.1008G>A (p.Ser336=)

Gene: DOK7 (docking protein 7; plus strand). Cytogenetic location: 4p16.3.
Variant type: single nucleotide variant.
Coding change: c.1008G>A on transcript NM_173660.5 (MANE Select); coding-DNA position 1008, G replaced by A.
Protein change: p.Ser336=; no amino-acid change (serine 336 retained).
Molecular consequence: synonymous variant. On other transcripts: 3 prime UTR variant (1).
Genome position (GRCh38, 1-based): chr4:3,492,994, G>A. VCF-style: chr4-3492994-G-A. GRCh37 (hg19) VCF-style: chr4-3494721-G-A.
Other names: c.*229G>A (NM_001164673.2); c.78G>A, p.Ser26= (NM_001256896.2); c.1008G>A, p.Ser336= (NM_001301071.2); c.576G>A, p.Ser192= (NM_001363811.2).
Identifiers: ClinVar variation 447278 (VCV000447278.18), dbSNP rs185050737, ClinGen allele CA2829325.